The following is an entry in ClinVar:

ClinVar aggregate classification (germline): Uncertain significance (1 of 4 stars; one submission).

Conditions:
Primary ciliary dyskinesia 16. Also called: CILIARY DYSKINESIA, PRIMARY, 16, WITH OR WITHOUT SITUS INVERSUS. Identifiers: Orphanet 244, MedGen C3151460, MONDO:0013525, OMIM 614017.

Submission:

Labcorp Genetics (formerly Invitae), Labcorp
Classification: Uncertain significance for Ciliary dyskinesia, primary, 16. Last evaluated: 2018-10-24. Review status: criteria provided, single submitter. Criteria: Invitae Variant Classification Sherloc (09022015). Collection method: clinical testing. Allele origin: germline.
Comment: This variant, c.289_291delGAA, results in the deletion of 1 amino acid of the DNAL1 protein (p.Glu97del), but otherwise preserves the integrity of the reading frame. This variant is not present in population databases (ExAC no frequency). This variant has not been reported in the literature in individuals with DNAL1-related disease. Experimental studies and prediction algorithms are not available for this variant, and the functional significance of the deleted amino acid is currently unknown. In summary, the available evidence is currently insufficient to determine the role of this variant in disease. Therefore, it has been classified as a Variant of Uncertain Significance.

NM_031427.4(DNAL1):c.286GAA[1] (p.Glu97del)

Gene: DNAL1 (dynein axonemal light chain 1; plus strand). Cytogenetic location: 14q24.3.
Variant type: Microsatellite.
Coding change: c.286GAA[1] on transcript NM_031427.4 (MANE Select); one copy of the 3-base unit GAA starting at c.286; the reference has two copies in a row; one copy, 3 bases deleted.
Protein change: p.Glu97del; deletes glutamic acid 97.
Molecular consequence: inframe deletion.
Genome position (GRCh38, 1-based): chr14:73,687,283-73,687,285, GAA deleted; deleting any 3 consecutive bases within chr14:73,687,279-73,687,285 gives the same sequence; the position shown is the placement nearest the transcript's 3' end. VCF-style (leftmost placement, unchanged base first): chr14-73687278-TAGA-T. GRCh37 (hg19) VCF-style: chr14-74153981-TAGA-T.
Other names: c.169GAA[1], p.Glu58del (NM_001201366.2); short protein forms E58del, E97del.
Identifiers: ClinVar variation 656064 (VCV000656064.1), dbSNP rs1595224083, ClinGen allele CA915948931.
Genomic context (GRCh38, chr14:73,687,278, plus strand): 5'-AGCTTAAACATAAACATAAATCAAATTTTGTTCTTTTTCAGGAGGCAGTAGGGGACACAT[TAGA>T]AGAACTGTGGATCTCCTACAATTTTATTGAGAAGTTGAAAGGGATCCACATAATGAAGAA-3'